The following is an entry in ClinVar:

ClinVar aggregate classification (germline): Likely benign (1 of 4 stars; one submission).

Allele frequency attached by ClinVar (database versions not stated): gnomAD exomes below 0.00001.
gnomAD v4.1: 2 of 1,613,556 alleles (0.00012%); highest among the groups gnomAD compares: South Asian, 0.0022%; no homozygotes.

Submission:

GeneDx
Classification: Likely benign. Last evaluated: 2018-02-23. Review status: criteria provided, single submitter. Criteria: GeneDx Variant Classification (06012015). Collection method: clinical testing. Allele origin: germline. Affected: yes.
Comment: This variant is considered likely benign or benign based on one or more of the following criteria: it is a conservative change, it occurs at a poorly conserved position in the protein, it is predicted to be benign by multiple in silico algorithms, and/or has population frequency not consistent with disease.

NM_000016.6(ACADM):c.61A>C (p.Arg21=)

Gene: ACADM (acyl-CoA dehydrogenase medium chain; plus strand). Cytogenetic location: 1p31.1.
Variant type: single nucleotide variant.
Coding change: c.61A>C on transcript NM_000016.6 (MANE Select); coding-DNA position 61, A replaced by C.
Protein change: p.Arg21=; no amino-acid change (arginine 21 retained).
Molecular consequence: synonymous variant. On other transcripts: intron variant (2).
Genome position (GRCh38, 1-based): chr1:75,728,431, A>C. VCF-style: chr1-75728431-A-C. GRCh37 (hg19) VCF-style: chr1-76194116-A-C.
Other names: c.73A>C, p.Arg25= (NM_001127328.3); c.61A>C, p.Arg21= (NM_001286043.2); c.10+3614A>C (NM_001286042.2); c.-268+3614A>C (NM_001286044.2).
Identifiers: ClinVar variation 515346 (VCV000515346.1), dbSNP rs1358331245, ClinGen allele CA418538582.